The following is an entry in ClinVar:

NM_005476.7(GNE):c.1816+5G>A

Gene: GNE (glucosamine (UDP-N-acetyl)-2-epimerase/N-acetylmannosamine kinase; minus strand). Cytogenetic location: 9p13.3.
Variant type: single nucleotide variant.
Coding change: c.1816+5G>A on transcript NM_005476.7 (MANE Select); 5 bases into the intron after coding-DNA position 1816, G replaced by A.
Molecular consequence: intron variant.
Genome position (GRCh38, 1-based): chr9:36,219,833, C>T on the plus strand (G>A on the coding strand, the complement: GNE is on the minus strand). VCF-style: chr9-36219833-C-T. GRCh37 (hg19) VCF-style: chr9-36219830-C-T.
Other names: c.1909+5G>A (NM_001128227.2, NM_001128227.3); c.1639+5G>A (NM_001190388.2, NM_001374798.1); c.1486+5G>A (NM_001190384.3); c.1663+5G>A (NM_001374797.1); c.1594+5G>A (NM_001190383.3).
Identifiers: ClinVar variation 1072426 (VCV001072426.8), dbSNP rs2133005844, ClinGen allele CA2499219906.
Genomic context (GRCh38, chr9:36,219,833, plus strand): 5'-AATTTCCACTTTGAAGTACTTGTCTACTATTTGGTTACTTAATTCCTCGAGAGAGGGACA[C>T]CAACCATCATGGAGCTTTTTTGCCTCCCTCTGCAAGGCCATTCCAGAGGCGTATGCTTCA-3'

ClinVar aggregate classification (germline): Pathogenic. Review status: criteria provided, multiple submitters, no conflicts (2 of 4 stars). 2 submissions from 2 submitters: Pathogenic (2). Last evaluated 2025-12-17.

Conditions:
Sialuria. Also called: SIALURIA, FRENCH TYPE; Sialic Acid Storage Disease. Identifiers: Orphanet 3166, MedGen C0342853, MONDO:0010028, OMIM 269921.
GNE myopathy (NM). Also called: NONAKA DISTAL MYOPATHY; MYOPATHY, DISTAL, WITH OR WITHOUT RIMMED VACUOLES; INCLUSION BODY MYOPATHY, HEREDITARY, AUTOSOMAL RECESSIVE; INCLUSION BODY MYOPATHY 2, AUTOSOMAL RECESSIVE; IBM 2; Inclusion body myopathy autosomal recessive. Identifiers: Orphanet 602, MedGen C1853926, MONDO:0011603, OMIM 605820.

Submissions (2):

Natera, Inc.
Classification: Pathogenic for Nonaka myopathy. Last evaluated: 2025-12-17. Review status: criteria provided, single submitter. Criteria: Natera Variant Classification Schema (03/2026). Collection method: clinical testing. Allele origin: germline.
Comment: The c.1909+5G>A variant in GNE is an intronic variant located outside the canonical splice sites. This variant is rare in the general population with a frequency below the threshold expected for the associated phenotype(s). This variant has been observed in one or more individuals affected with the associated recessive disease, as either homozygous or compound heterozygous with a second variant (PMID: 21708040, 28641925, 25123033). Additionally, this variant has been observed to segregate in affected family members (PMID: 21708040). Functional studies show that this variant may disrupt protein function (PMID: 21708040). Computational prediction algorithms indicate this variant is likely to affect gene or protein function. Given the available evidence, this variant is classified as Pathogenic.

Labcorp Genetics (formerly Invitae), Labcorp
Classification: Pathogenic for Sialuria; GNE myopathy. Last evaluated: 2020-07-21. Review status: criteria provided, single submitter. Criteria: Invitae Variant Classification Sherloc (09022015). Collection method: clinical testing. Allele origin: germline.
Comment: For these reasons, this variant has been classified as Pathogenic. Nucleotide substitutions within the consensus splice site are a relatively common cause of aberrant splicing (PMID: 17576681, 9536098). Experimental studies have shown that this variant disrupts mRNA splicing (PMID: 21708040). This variant has been observed in individual(s) with inclusion body myopathy (PMID: 21708040). It has also been observed to segregate with disease in related individuals. This variant is also known as 1816+5G>A in the literature. This variant is not present in population databases (ExAC no frequency). This sequence change falls in intron 10 of the GNE gene. It does not directly change the encoded amino acid sequence of the GNE protein, but it affects a nucleotide within the consensus splice site of the intron.

Literature cited by the submitters: PubMed 21708040 (cited by Natera, Inc. and Labcorp Genetics (formerly Invitae), Labcorp); PubMed 28641925 (cited by Natera, Inc.); PubMed 25123033 (cited by Natera, Inc.); PubMed 17576681 (cited by Labcorp Genetics (formerly Invitae), Labcorp); PubMed 9536098 (cited by Labcorp Genetics (formerly Invitae), Labcorp).